The following is an entry in ClinVar:

ClinVar aggregate classification (germline): Conflicting classifications of pathogenicity. Review status: criteria provided, conflicting classifications (1 of 4 stars). 4 submissions from 4 submitters: Uncertain significance (1); Likely benign (3). Last evaluated 2026-05-06.

Submissions (4):

Women's Health and Genetics/Laboratory Corporation of America, LabCorp
Classification: Likely benign. Last evaluated: 2026-05-06. Review status: criteria provided, single submitter. Criteria: LabCorp Variant Classification Summary - May 2015. Collection method: clinical testing. Allele origin: germline.
Comment: Variant summary: MBTPS2 c.366_383del18 (p.Ser131_Ser136del) results in an in-frame deletion that is predicted to remove six amino acids from the encoded protein. The variant allele was found at a frequency of 0.00015 in 181275 control chromosomes, including 10 hemizygotes. To our knowledge, no occurrence of c.366_383del18 in individuals affected with MBTPS2-related conditions and no experimental evidence demonstrating its impact on protein function have been reported. ClinVar contains an entry for this variant (Variation ID: 496905). Based on the evidence outlined above, the variant was classified as likely benign.

Labcorp Genetics (formerly Invitae), Labcorp
Classification: Uncertain significance. Last evaluated: 2026-01-08. Review status: criteria provided, single submitter. Criteria: Invitae Variant Classification Sherloc (09022015). Collection method: clinical testing. Allele origin: germline.
Comment: This variant, c.366_383del, results in the deletion of 6 amino acid(s) of the MBTPS2 protein (p.Ser131_Ser136del), but otherwise preserves the integrity of the reading frame. The frequency data for this variant in the population databases is considered unreliable, as metrics indicate poor data quality at this position in the gnomAD database. This variant has not been reported in the literature in individuals affected with MBTPS2-related conditions. Experimental studies and prediction algorithms are not available or were not evaluated, and the functional significance of this variant is currently unknown. In summary, the available evidence is currently insufficient to determine the role of this variant in disease. Therefore, it has been classified as a Variant of Uncertain Significance.

CeGaT Center for Human Genetics Tuebingen
Classification: Likely benign. Last evaluated: 2023-02-01. Review status: criteria provided, single submitter. Criteria: CeGaT Center For Human Genetics Tuebingen Variant Classification Criteria Version 2. Collection method: clinical testing. Allele origin: germline. Affected: yes. Observed: 1 variant allele.
Comment: MBTPS2: BS2

Eurofins Ntd Llc (ga)
Classification: Likely benign. Last evaluated: 2016-10-20. Review status: criteria provided, single submitter. Criteria: EGL Classification Definitions 2015. Collection method: clinical testing. Allele origin: germline. Observed: 3 variant alleles, 3 hemizygotes.

NM_015884.4(MBTPS2):c.348CTCTTCTTCCTCTTCCTC[1] (p.Ser131_Ser136del)

Gene: MBTPS2 (membrane bound transcription factor peptidase, site 2; plus strand). Cytogenetic location: Xp22.12.
Variant type: Microsatellite.
Coding change: c.348CTCTTCTTCCTCTTCCTC[1] on transcript NM_015884.4 (MANE Select); one copy of the 18-base unit CTCTTCTTCCTCTTCCTC starting at c.348; the reference has two copies in a row; one copy, 18 bases deleted.
Protein change: p.Ser131_Ser136del.
Molecular consequence: inframe deletion.
Genome position (GRCh38, 1-based): chrX:21,845,312-21,845,329, CTCTTCTTCCTCTTCCTC deleted; deleting any 18 consecutive bases within chrX:21,845,286-21,845,329 gives the same sequence; the position shown is the placement nearest the transcript's 3' end. VCF-style (leftmost placement, unchanged base first): chrX-21845285-TTCTTCCTCCTCTTCTTCC-T. GRCh37 (hg19) VCF-style: chrX-21863403-TTCTTCCTCCTCTTCTTCC-T.
Other names: c.366_383del18 (NM_015884.4).
Identifiers: ClinVar variation 496905 (VCV000496905.35), dbSNP rs762761040, ClinGen allele CA10367332.